The following is an entry in ClinVar:

ClinVar aggregate classification (germline): Uncertain significance (1 of 4 stars; one submission).

Submission:

GeneDx
Classification: Uncertain significance. Last evaluated: 2022-06-22. Review status: criteria provided, single submitter. Criteria: GeneDx Variant Classification Process June 2021. Collection method: clinical testing. Allele origin: germline. Affected: yes.
Comment: Has not been previously published as pathogenic or benign to our knowledge; Not observed at significant frequency in large population cohorts (gnomAD); In silico analysis supports that this missense variant has a deleterious effect on protein structure/function

NM_004387.4(NKX2-5):c.529C>T (p.Leu177Phe)

Gene: NKX2-5 (NK2 homeobox 5; minus strand). Cytogenetic location: 5q35.1.
Variant type: single nucleotide variant.
Coding change: c.529C>T on transcript NM_004387.4 (MANE Select); coding-DNA position 529, C replaced by T.
Protein change: p.Leu177Phe; replaces leucine 177 with phenylalanine.
Molecular consequence: missense variant. On other transcripts: 3 prime UTR variant (2).
Genome position (GRCh38, 1-based): chr5:173,233,015, G>A on the plus strand (C>T on the coding strand, the complement: NKX2-5 is on the minus strand). VCF-style: chr5-173233015-G-A. GRCh37 (hg19) VCF-style: chr5-172660018-G-A.
Other names: c.*482C>T (NM_001166175.2); c.*328C>T (NM_001166176.2); short protein forms L177F.
Identifiers: ClinVar variation 1806521 (VCV001806521.1), dbSNP rs2480073001, ClinGen allele CA362161678.